The following is an entry in ClinVar:

NM_000142.5(FGFR3):c.1339_1340delinsTT (p.Glu447Leu)

Gene: FGFR3 (fibroblast growth factor receptor 3; plus strand). Cytogenetic location: 4p16.3.
Variant type: Indel.
Coding change: c.1339_1340delinsTT on transcript NM_000142.5 (MANE Select); coding-DNA positions 1339 to 1340, GA replaced by TT.
Protein change: p.Glu447Leu; replaces glutamic acid 447 with leucine.
Molecular consequence: missense variant. On other transcripts: non-coding transcript variant (1).
Genome position (GRCh38, 1-based): chr4:1,804,896-1,804,897, GA replaced by TT. VCF-style: chr4-1804896-GA-TT. GRCh37 (hg19) VCF-style: chr4-1806623-GA-TT.
Other names: c.1339_1340delGAinsTT, p.Glu447Leu (NM_000142.4); c.1345_1346delinsTT, p.Glu449Leu (NM_001163213.2); c.1342_1343delinsTT, p.Glu448Leu (NM_001354809.2, NM_001354810.2); c.1003_1004delinsTT, p.Glu335Leu (NM_022965.4); short protein forms E335L, E447L, E448L, E449L.
Identifiers: ClinVar variation 3373658 (VCV003373658.1).

ClinVar aggregate classification (germline): Uncertain significance (1 of 4 stars; one submission).

Submission:

GeneDx
Classification: Uncertain significance. Last evaluated: 2024-03-04. Review status: criteria provided, single submitter. Criteria: GeneDx Variant Classification Process June 2021. Collection method: clinical testing. Allele origin: germline. Affected: yes.
Comment: In silico analysis is inconclusive as to whether the variant alters gene splicing. In the absence of RNA/functional studies, the actual effect of this sequence change is unknown; In silico analysis supports a deleterious effect on protein structure/function; Not observed at significant frequency in large population cohorts (gnomAD); Has not been previously published as pathogenic or benign to our knowledge